The following is an entry in ClinVar:

ClinVar aggregate classification (germline): Likely benign. Review status: criteria provided, multiple submitters, no conflicts (2 of 4 stars). 3 submissions from 3 submitters: Likely benign (2). 1 of the submissions does not count toward it. Last evaluated 2026-01-22.

Conditions:
PMM2-related disorder. Also called: PMM2-related condition.
PMM2-congenital disorder of glycosylation. Also called: JAEKEN SYNDROME; PHOSPHOMANNOMUTASE 2 DEFICIENCY; CARBOHYDRATE-DEFICIENT GLYCOPROTEIN SYNDROME, TYPE Ia; PMM2-CDG; CDG Ia; Congenital disorder of glycosylation, type Ia. Identifiers: Orphanet 79318, MedGen C0349653, MONDO:0008907, OMIM 212065.

Allele frequency attached by ClinVar (database versions not stated): ExAC 0.00003; gnomAD 0.00007 and 0.00008; ESP Exome Variant Server 0.00008.
gnomAD v4.1: 25 of 1,607,062 alleles (0.0016%); highest among the groups gnomAD compares: African/African-American, 0.013%; no homozygotes.

Submissions (3):

Labcorp Genetics (formerly Invitae), Labcorp
Classification: Likely benign for PMM2-congenital disorder of glycosylation. Last evaluated: 2026-01-22. Review status: criteria provided, single submitter. Criteria: Invitae Variant Classification Sherloc (09022015). Collection method: clinical testing. Allele origin: germline.

Fulgent Genetics
Classification: Likely benign for PMM2-congenital disorder of glycosylation. Last evaluated: 2022-04-16. Review status: criteria provided, single submitter. Criteria: ACMG Guidelines, 2015. Collection method: clinical testing. Allele origin: unknown.

PreventionGenetics, part of Exact Sciences
Classification: Likely benign for PMM2-related condition. Last evaluated: 2019-12-03. Review status: no assertion criteria provided. Collection method: clinical testing. Allele origin: germline. Not counted in ClinVar's aggregate classification.
Comment: This variant is classified as likely benign based on ACMG/AMP sequence variant interpretation guidelines (Richards et al. 2015 PMID: 25741868, with internal and published modifications).

NM_000303.3(PMM2):c.513G>A (p.Thr171=)

Gene: PMM2 (phosphomannomutase 2; plus strand). Cytogenetic location: 16p13.2.
Variant type: single nucleotide variant.
Coding change: c.513G>A on transcript NM_000303.3 (MANE Select); coding-DNA position 513, G replaced by A.
Protein change: p.Thr171=; no amino-acid change (threonine 171 retained).
Molecular consequence: synonymous variant.
Genome position (GRCh38, 1-based): chr16:8,811,703, G>A. VCF-style: chr16-8811703-G-A. GRCh37 (hg19) VCF-style: chr16-8905560-G-A.
Other names: c.513G>A (NM_000303.2).
Identifiers: ClinVar variation 1582939 (VCV001582939.11), dbSNP rs371399381, ClinGen allele CA7894098.